The following is an entry in ClinVar:

NM_002241.5(KCNJ10):c.694A>G (p.Asn232Asp)

Gene: KCNJ10 (potassium inwardly rectifying channel subfamily J member 10; minus strand). Cytogenetic location: 1q23.2.
Variant type: single nucleotide variant.
Coding change: c.694A>G on transcript NM_002241.5 (MANE Select); coding-DNA position 694, A replaced by G.
Protein change: p.Asn232Asp; replaces asparagine 232 with aspartic acid.
Molecular consequence: missense variant.
Genome position (GRCh38, 1-based): chr1:160,041,839, T>C on the plus strand (A>G on the coding strand, the complement: KCNJ10 is on the minus strand). VCF-style: chr1-160041839-T-C. GRCh37 (hg19) VCF-style: chr1-160011629-T-C.
Other names: short protein forms N232D.
Identifiers: ClinVar variation 1053593 (VCV001053593.11), dbSNP rs2101924798, ClinGen allele CA343225899.

ClinVar aggregate classification (germline): Uncertain significance (1 of 4 stars; one submission).

Conditions:
EAST syndrome (SESAMES). Also called: SEIZURES, SENSORINEURAL DEAFNESS, ATAXIA, IMPAIRED INTELLECTUAL DEVELOPMENT, AND ELECTROLYTE IMBALANCE. Identifiers: Orphanet 199343, MedGen C2748572, MONDO:0013005, OMIM 612780.

Submission:

Labcorp Genetics (formerly Invitae), Labcorp
Classification: Uncertain significance for EAST syndrome. Last evaluated: 2020-02-06. Review status: criteria provided, single submitter. Criteria: Invitae Variant Classification Sherloc (09022015). Collection method: clinical testing. Allele origin: germline.
Comment: In summary, the available evidence is currently insufficient to determine the role of this variant in disease. Therefore, it has been classified as a Variant of Uncertain Significance. Algorithms developed to predict the effect of missense changes on protein structure and function (SIFT, PolyPhen-2, Align-GVGD) all suggest that this variant is likely to be tolerated, but these predictions have not been confirmed by published functional studies and their clinical significance is uncertain. This variant has not been reported in the literature in individuals with KCNJ10-related conditions. This variant is not present in population databases (ExAC no frequency). This sequence change replaces asparagine with aspartic acid at codon 232 of the KCNJ10 protein (p.Asn232Asp). The asparagine residue is moderately conserved and there is a small physicochemical difference between asparagine and aspartic acid.